The following is an entry in ClinVar:

ClinVar aggregate classification (germline): Likely benign. Review status: criteria provided, multiple submitters, no conflicts (2 of 4 stars). 2 submissions from 2 submitters: Likely benign (2). Last evaluated 2026-02-09.

Conditions:
SLC26A3-related disorder. Also called: SLC26A3-related condition.

Submissions (2):

PreventionGenetics, part of Exact Sciences
Classification: Likely benign for SLC26A3-related condition. Last evaluated: 2026-02-09. Review status: criteria provided, single submitter. Criteria: ACMG Guidelines, 2015. Collection method: clinical testing. Allele origin: germline.
Comment: This variant is classified as likely benign based on ACMG/AMP sequence variant interpretation guidelines (Richards et al. 2015 PMID: 25741868, with internal and published modifications).

Labcorp Genetics (formerly Invitae), Labcorp
Classification: Likely benign. Last evaluated: 2024-02-26. Review status: criteria provided, single submitter. Criteria: Invitae Variant Classification Sherloc (09022015). Collection method: clinical testing. Allele origin: germline.

NM_000111.3(SLC26A3):c.183A>C (p.Ala61=)

Gene: SLC26A3 (solute carrier family 26 member 3; minus strand). Cytogenetic location: 7q22.3.
Variant type: single nucleotide variant.
Coding change: c.183A>C on transcript NM_000111.3 (MANE Select); coding-DNA position 183, A replaced by C.
Protein change: p.Ala61=; no amino-acid change (alanine 61 retained).
Molecular consequence: synonymous variant.
Genome position (GRCh38, 1-based): chr7:107,793,830, T>G on the plus strand (A>C on the coding strand, the complement: SLC26A3 is on the minus strand). VCF-style: chr7-107793830-T-G. GRCh37 (hg19) VCF-style: chr7-107434275-T-G.
Identifiers: ClinVar variation 3697616 (VCV003697616.3).
Genomic context (GRCh38, chr7:107,793,830, plus strand): 5'-GATACCAGAAACAATATCACTGAGCAACCATTCTTTAAGCCGGTATGCTGGCAACCAAGA[T>G]GCTATGGGGAACAAAGAGAGGACAATTCTCTTGGCCTTTTGTGGGGAACAGCTGAAAACA-3'
Protein context (NP_000102.1, residues 51-71): KRIVLSLFPI[Ala61=]SWLPAYRLKE